The following is an entry in ClinVar:

ClinVar aggregate classification (germline): Conflicting classifications of pathogenicity. Review status: criteria provided, conflicting classifications (1 of 4 stars). 6 submissions from 5 submitters: Uncertain significance (3); Benign (2); Likely benign (1). Last evaluated 2025-10-12.

Conditions:
VCAN-related disorder. Also called: VCAN-related condition.
Inborn genetic diseases. Identifiers: MedGen C0950123, MeSH D030342.
Vitreoretinopathy. Also called: Vitreoretinal degeneration. Identifiers: MedGen C0344290, MONDO:0020248, HP:0007773.
Wagner disease. Also called: Wagner Vitreoretinal Degeneration (Wagner Synrdome); WAGNER SYNDROME 1; HYALOIDEORETINAL DEGENERATION OF WAGNER; Wagner syndrome; WAGNER VITREORETINAL DEGENERATION; WAGNER VITREORETINOPATHY. Identifiers: Orphanet 898, MedGen C1840452, MONDO:0007740, OMIM 143200.

Allele frequency attached by ClinVar (database versions not stated): ExAC 0.00011; gnomAD 0.00011 and 0.00030; gnomAD exomes 0.00015 and 0.00019; ESP Exome Variant Server 0.00023; TOPMed 0.00042.
gnomAD v4.1: 316 of 1,613,804 alleles (0.02%); highest among the groups gnomAD compares: South Asian, 0.048%; no homozygotes.

Submissions (6):

Labcorp Genetics (formerly Invitae), Labcorp
Classification: Uncertain significance. Last evaluated: 2025-10-12. Review status: criteria provided, single submitter. Criteria: Invitae Variant Classification Sherloc (09022015). Collection method: clinical testing. Allele origin: germline.
Comment: This sequence change replaces serine, which is neutral and polar, with leucine, which is neutral and non-polar, at codon 1548 of the VCAN protein (p.Ser1548Leu). This variant is present in population databases (rs61754534, gnomAD 0.05%), and has an allele count higher than expected for a pathogenic variant. This variant has not been reported in the literature in individuals affected with VCAN-related conditions. ClinVar contains an entry for this variant (Variation ID: 904000). An algorithm developed to predict the effect of missense changes on protein structure and function (PolyPhen-2) suggests that this variant is likely to be disruptive. In summary, the available evidence is currently insufficient to determine the role of this variant in disease. Therefore, it has been classified as a Variant of Uncertain Significance.

PreventionGenetics, part of Exact Sciences
Classification: Uncertain significance for VCAN-related condition. Last evaluated: 2025-08-25. Review status: criteria provided, single submitter. Criteria: ACMG Guidelines, 2015. Collection method: clinical testing. Allele origin: germline.
Comment: The VCAN c.4643C>T variant is predicted to result in the amino acid substitution p.Ser1548Leu. To our knowledge, this variant has not been reported in the literature. This variant is reported in 0.046% of alleles in individuals of South Asian descent in gnomAD. Although we suspect that this variant may be benign, at this time, the clinical significance of this variant is uncertain due to the absence of conclusive functional and genetic evidence.

Blueprint Genetics
Classification: Likely benign. Last evaluated: 2024-09-17. Review status: criteria provided, single submitter. Criteria: ACMG Guidelines, 2015. Collection method: clinical testing. Allele origin: germline.

Ambry Genetics
Classification: Uncertain significance for Inborn genetic diseases. Last evaluated: 2024-07-27. Review status: criteria provided, single submitter. Criteria: Ambry Variant Classification Scheme 2023. Collection method: clinical testing. Allele origin: germline.

Illumina Laboratory Services, Illumina
Classification: Benign for Wagner disease. Last evaluated: 2018-01-12. Review status: criteria provided, single submitter. Criteria: ICSL Variant Classification Criteria 13 December 2019. Collection method: clinical testing. Allele origin: germline.
Comment: This variant was observed in the ICSL laboratory as part of a predisposition screen in an ostensibly healthy population. It had not been previously curated by ICSL or reported in the Human Gene Mutation Database (HGMD: prior to June 1st, 2018), and was therefore a candidate for classification through an automated scoring system. Utilizing variant allele frequency, disease prevalence and penetrance estimates, and inheritance mode, an automated score was calculated to assess if this variant is too frequent to cause the disease. Based on the score and internal cut-off values, a variant classified as benign is not then subjected to further curation. The score for this variant resulted in a classification of benign for this disease.

Illumina Laboratory Services, Illumina
Classification: Benign for Vitreoretinopathy. Last evaluated: 2018-01-12. Review status: criteria provided, single submitter. Criteria: ICSL Variant Classification Criteria 13 December 2019. Collection method: clinical testing. Allele origin: germline.
Comment: the same text as in the submission from Illumina Laboratory Services, Illumina above.

NM_004385.5(VCAN):c.4643C>T (p.Ser1548Leu)

Genes: VCAN (versican; plus strand), VCAN-AS1 (VCAN antisense RNA 1; minus strand). Cytogenetic location: 5q14.3.
Variant type: single nucleotide variant.
Coding change: c.4643C>T on transcript NM_004385.5 (MANE Select); coding-DNA position 4643, C replaced by T.
Protein change: p.Ser1548Leu; replaces serine 1548 with leucine.
Molecular consequence: missense variant. On other transcripts: intron variant (2).
Genome position (GRCh38, 1-based): chr5:83,537,646, C>T. VCF-style: chr5-83537646-C-T. GRCh37 (hg19) VCF-style: chr5-82833465-C-T.
Other names: c.1682C>T, p.Ser561Leu (NM_001164097.2); c.4004-7891C>T (NM_001164098.2); c.1043-7891C>T (NM_001126336.3); short protein forms S1548L, S561L.
Identifiers: ClinVar variation 904000 (VCV000904000.17), dbSNP rs61754534, ClinGen allele CA3333207.